The following is an entry in ClinVar:

ClinVar aggregate classification (germline): Uncertain significance (1 of 4 stars; one submission).

Conditions:
Ehlers-Danlos syndrome, classic type, 1 (EDSCL1). Also called: EHLERS-DANLOS SYNDROME, GRAVIS TYPE; EHLERS-DANLOS SYNDROME, SEVERE CLASSIC TYPE; Ehlers-Danlos syndrome, type 1; Ehlers-Danlos Syndrome, Classic Type, COL5A1-Related; EDS I. Identifiers: MedGen C0268335, MONDO:0019567, OMIM 130000.
Osteogenesis imperfecta type I (OI1). Also called: OI, TYPE I; OSTEOGENESIS IMPERFECTA TARDA; OSTEOGENESIS IMPERFECTA WITH BLUE SCLERAE; Osteogenesis imperfecta type 1; Lobstein's Disease; Lobstein disease. Identifiers: Orphanet 216796, Orphanet 666, MedGen C0023931, MONDO:0008146, OMIM 166200. Disease mechanism: loss of function.

Submission:

Labcorp Genetics (formerly Invitae), Labcorp
Classification: Uncertain significance for Osteogenesis imperfecta type I; Ehlers-Danlos syndrome, classic type, 1. Last evaluated: 2021-01-08. Review status: criteria provided, single submitter. Criteria: Invitae Variant Classification Sherloc (09022015). Collection method: clinical testing. Allele origin: germline.
Comment: In summary, the available evidence is currently insufficient to determine the role of this variant in disease. Therefore, it has been classified as a Variant of Uncertain Significance. Nucleotide substitutions within the consensus splice site are a relatively common cause of aberrant splicing (PMID: 17576681, 9536098). Algorithms developed to predict the effect of sequence changes on RNA splicing suggest that this variant may disrupt the consensus splice site, but this prediction has not been confirmed by published transcriptional studies. This variant has been observed in individual(s) with clinical features of osteogenesis imperfecta (Invitae). This variant is not present in population databases (ExAC no frequency). This sequence change falls in intron 14 of the COL1A2 gene. It does not directly change the encoded amino acid sequence of the COL1A2 protein. It affects a nucleotide within the consensus splice site of the intron.

Literature cited by the submitters: PubMed 17576681; PubMed 9536098.

NM_000089.4(COL1A2):c.693+2dup

Gene: COL1A2 (collagen type I alpha 2 chain; plus strand). Cytogenetic location: 7q21.3.
Variant type: Duplication.
Coding change: c.693+2dup on transcript NM_000089.4 (MANE Select); the canonical splice donor site of the intron after coding-DNA position 693, one base duplicated (T; older notation c.693+2dupT).
Molecular consequence: splice donor variant.
Genome position (GRCh38, 1-based): chr7:94,408,238, T duplicated. VCF-style (leftmost placement, unchanged base first): chr7-94408237-G-GT. GRCh37 (hg19) VCF-style: chr7-94037549-G-GT.
Identifiers: ClinVar variation 1426597 (VCV001426597.8), dbSNP rs2115888133, ClinGen allele CA2573142433.